The following is an entry in ClinVar:

NM_001754.5(RUNX1):c.411dup (p.Glu138Ter)

Genes: RUNX1 (RUNX family transcription factor 1; minus strand), RUNX1-AS1 (RUNX1 antisense RNA 1; plus strand). Cytogenetic location: 21q22.12.
Variant type: Duplication.
Coding change: c.411dup on transcript NM_001754.5 (MANE Select); coding-DNA position 411, one base duplicated (T; older notation c.411dupT).
Protein change: p.Glu138Ter; replaces glutamic acid 138 with a stop codon.
Molecular consequence: nonsense.
Genome position (GRCh38, 1-based): chr21:34,880,654, A duplicated on the plus strand (T on the coding strand, the reverse complement: RUNX1 is on the minus strand). VCF-style (leftmost placement, unchanged base first): chr21-34880653-C-CA. GRCh37 (hg19) VCF-style: chr21-36252950-C-CA.
Other names: NM_001754.5(RUNX1):c.411dup; p.Glu138Ter; c.330dup, p.Glu111Ter (NM_001001890.3, NM_001122607.2); short protein forms E138*, E111*.
Identifiers: ClinVar variation 2820865 (VCV002820865.4), dbSNP rs2517439655, ClinGen allele CA2739267616.

ClinVar aggregate classification (germline): Pathogenic. Review status: reviewed by expert panel (3 of 4 stars). 2 submissions from 2 submitters: Pathogenic (1). 1 of the submissions does not count toward it. Last evaluated 2024-09-10.

Conditions:
Hereditary thrombocytopenia and hematological cancer predisposition syndrome associated with RUNX1. Also called: Familial Platelet Disorder with Propensity to Acute Myelogenous Leukemia; Familial thrombocytopenia with propensity to acute myelogenous leukemia; PLATELET DISORDER, ASPIRIN-LIKE; RUNX1 Familial Platelet Disorder with Associated Myeloid Malignancies. Identifiers: Orphanet 71290, MedGen C1832388, MeSH C563324, MONDO:0100083, OMIM 601399.
Hereditary thrombocytopenia and hematologic cancer predisposition syndrome. Identifiers: Orphanet 71290, MedGen CN281654, MONDO:0011071.

Submissions (2):

ClinGen Myeloid Malignancy Variant Curation Expert Panel
Classification: Pathogenic for Hereditary thrombocytopenia and hematologic cancer predisposition syndrome. Last evaluated: 2024-09-10. Review status: reviewed by expert panel. Criteria: ClinGen MyeloMalig ACMG Specifications v2. Collection method: curation. Allele origin: germline. Inheritance: Autosomal dominant inheritance.
Comment: NM_001754.5(RUNX1):c.411dup (p.Glu138Ter) is a nonsense variant which is predicted to result in nonsense-mediated mRNA decay (PVS1). This variant is completely absent from all population databases with at least 20x coverage for RUNX1 (PM2_Supporting). It is downstream of c.98 (PM5_Supporting) and impacts amino acid 138, which is located within the Runt Homology Domain (RHD) but does not occur in an established hotspot residue (PM1_Supporting). Clinical and functional data are not available for this variant. In summary, this variant meets criteria to be classified as pathogenic. ACMG/AMP criteria applied, as specified by the Myeloid Malignancy Variant Curation Expert Panel for RUNX1: PVS1, PM2_Supporting, PM5_Supporting, PM1_Supporting.

Labcorp Genetics (formerly Invitae), Labcorp
Classification: Pathogenic for Hereditary thrombocytopenia and hematological cancer predisposition syndrome associated with RUNX1. Last evaluated: 2022-12-14. Review status: criteria provided, single submitter. Criteria: Invitae Variant Classification Sherloc (09022015). Collection method: clinical testing. Allele origin: germline. Not counted in ClinVar's aggregate classification.
Comment: This sequence change creates a premature translational stop signal (p.Glu138*) in the RUNX1 gene. It is expected to result in an absent or disrupted protein product. Loss-of-function variants in RUNX1 are known to be pathogenic (PMID: 18723428, 24100448). This variant is not present in population databases (gnomAD no frequency). This variant has not been reported in the literature in individuals affected with RUNX1-related conditions. For these reasons, this variant has been classified as Pathogenic.

Literature cited by the submitters: PubMed 18723428 (cited by Labcorp Genetics (formerly Invitae), Labcorp); PubMed 24100448 (cited by Labcorp Genetics (formerly Invitae), Labcorp).